The following is an entry in ClinVar:

NM_000202.8(IDS):c.817C>T (p.Arg273Trp)

Genes: IDS (iduronate 2-sulfatase; minus strand), LOC106050102 (IDS recombination region; plus strand). Cytogenetic location: Xq28.
Variant type: single nucleotide variant.
Coding change: c.817C>T on transcript NM_000202.8 (MANE Select); coding-DNA position 817, C replaced by T.
Protein change: p.Arg273Trp; replaces arginine 273 with tryptophan.
Molecular consequence: missense variant. On other transcripts: non-coding transcript variant (1).
Genome position (GRCh38, 1-based): chrX:149,496,408, G>A on the plus strand (C>T on the coding strand, the complement: IDS is on the minus strand). VCF-style: chrX-149496408-G-A. GRCh37 (hg19) VCF-style: chrX-148577939-G-A.
Other names: c.817C>T (NM_000202.4); c.547C>T, p.Arg183Trp (NM_001166550.4); c.817C>T, p.Arg273Trp (NM_006123.5); short protein forms R183W, R273W.
Identifiers: ClinVar variation 1806176 (VCV001806176.8), dbSNP rs1602740899, ClinGen allele CA414521871.

ClinVar aggregate classification (germline): Conflicting classifications of pathogenicity. Review status: criteria provided, conflicting classifications (1 of 4 stars). 6 submissions from 6 submitters: Pathogenic (1); Likely pathogenic (3); Uncertain significance (2). Last evaluated 2025-06-06.

Conditions:
Mucopolysaccharidosis, MPS-II (MPS2). Also called: Attenuated MPS (subtype; formerly known as mild MPS II); Severe MPS II; I2S deficiency; MPS 2; Hunter Syndrome; IDURONATE 2-SULFATASE DEFICIENCY. Identifiers: Orphanet 580, Orphanet 79388, MedGen C0026705, MONDO:0010674, OMIM 309900.

Allele frequency attached by ClinVar (database versions not stated): gnomAD exomes below 0.00001.
gnomAD v4.1: 4 of 1,210,280 alleles (0.00033%); highest among the groups gnomAD compares: Admixed American, 0.0022%; no homozygotes.

Submissions (6):

GeneDx
Classification: Uncertain significance. Last evaluated: 2025-06-06. Review status: criteria provided, single submitter. Criteria: GeneDx Variant Classification Process June 2021. Collection method: clinical testing. Allele origin: germline. Affected: yes.
Comment: Published functional studies support this variant is associated with reduced IDS activity (PMID: 31877959, 33096603); Not observed at significant frequency in large population cohorts (gnomAD); In silico analysis supports that this missense variant has a deleterious effect on protein structure/function; This variant is associated with the following publications: (PMID: 29801497, 34573925, 30409495, 31732130, 33622387, 35887520, 36077388, 31877959, 33096603, 35225932, 39617925)

Labcorp Genetics (formerly Invitae), Labcorp
Classification: Likely pathogenic for Mucopolysaccharidosis, MPS-II. Last evaluated: 2025-05-30. Review status: criteria provided, single submitter. Criteria: Invitae Variant Classification Sherloc (09022015). Collection method: clinical testing. Allele origin: germline.
Comment: This sequence change replaces arginine, which is basic and polar, with tryptophan, which is neutral and slightly polar, at codon 273 of the IDS protein (p.Arg273Trp). This variant is not present in population databases (gnomAD no frequency). This missense change has been observed in individual(s) with clinical features of mucopolysaccaridosis II (PMID: 29801497, 30409495, 31732130, 33622387, 36077388; external communication). ClinVar contains an entry for this variant (Variation ID: 1806176). Invitae Evidence Modeling of protein sequence and biophysical properties (such as structural, functional, and spatial information, amino acid conservation, physicochemical variation, residue mobility, and thermodynamic stability) indicates that this missense variant is not expected to disrupt IDS protein function with a negative predictive value of 80%. Experimental studies have shown that this missense change affects IDS function (PMID: 33096603). In summary, the currently available evidence indicates that the variant is pathogenic, but additional data are needed to prove that conclusively. Therefore, this variant has been classified as Likely Pathogenic.

Myriad Genetics, Inc.
Classification: Likely pathogenic for Mucopolysaccharidosis, MPS-II. Last evaluated: 2025-03-17. Review status: criteria provided, single submitter. Criteria: Myriad Autosomal Dominant, Autosomal Recessive and X-Linked Classification Criteria (2023). Collection method: clinical testing. Allele origin: unknown.
Comment: NM_000202.5(IDS):c.817C>T(R273W) is a missense variant classified as likely pathogenic in the context of mucopolysaccharidosis type II. R273W has been observed in cases with relevant disease (PMID: 35887520, 31732130, 39547427). Relevant functional assessments of this variant are available in the literature (PMID: 31877959). R273W has not been observed in referenced population frequency databases. In summary, NM_000202.5(IDS):c.817C>T(R273W) is a missense variant that has been observed more frequently in cases with the relevant disease than in healthy populations. Please note: this variant was assessed in the context of healthy population screening.

Revvity Omics, Revvity
Classification: Uncertain significance for Mucopolysaccharidosis, MPS-II. Last evaluated: 2024-08-16. Review status: criteria provided, single submitter. Criteria: ACMG Guidelines, 2015. Collection method: clinical testing. Allele origin: germline.

Laboratory of Diagnosis and Therapy of Lysosomal Disorders, University of Padova
Classification: Pathogenic for Mucopolysaccharidosis, MPS-II. Last evaluated: 2024-06-07. Review status: criteria provided, single submitter. Criteria: ACMG Guidelines, 2015. Collection method: literature only. Allele origin: germline. Affected: yes. Observed: 5 variant alleles.
Comment: In vitro or in vivo functional studies supportive of a damaging effect (PS3_Moderate), Prevalence of the variant significantly increased in affected individuals compared with controls (PS4_Strong), Absent from controls (or at low frequency) in gnomAD database (PM2_Moderate), Missense variant in a gene with a low rate of benign missense variation (PP2_Supporting), Multiple lines of computational evidence support a deleterious effect (PP3_Supporting)

Classification method: ACMG Guidelines [PMID:25741868] with modifications

Victorian Clinical Genetics Services, Murdoch Childrens Research Institute
Classification: Likely pathogenic for Mucopolysaccharidosis, MPS-II. Last evaluated: 2021-05-06. Review status: criteria provided, single submitter. Criteria: ACMG Guidelines, 2015. Collection method: clinical testing. Allele origin: germline. Inheritance: X-linked recessive inheritance.
Comment: Based on the classification scheme VCGS_Germline_v1.3.4, this variant is classified as likely pathogenic. The following criteria are met: 0102 - Loss of function is a known mechanism of disease in this gene and is associated with mucopolysaccharidosis II (MIM#309900). (I) 0109 - This gene is associated with X-linked recessive disease. (I) 0200 - Variant is predicted to result in a missense amino acid change from arginine to tryptophan. (I) 0251 - This variant is heterozygous. (I) 0301 - Variant is absent from gnomAD (both v2 and v3). (SP) 0501 - Missense variant consistently predicted to be damaging by multiple in silico tools or highly conserved with a major amino acid change. (SP) 0600 - Variant is located in the annotated sulfatase domain (Pfam). (I) 0705 - No comparable missense variants have previous evidence for pathogenicity. (I) 0802 - This variant has moderate previous evidence of pathogenicity in unrelated individuals. It has been reported in at least 3 newborn screening male patients who presented with IDS enzyme activities consistent with a diagnosis of mucopolysaccharidosis II (PMIDs: 29801497; 31732130; 33622387). (SP) 1002 - This variant has moderate functional evidence supporting abnormal protein function as it has been shown to cause a decrease in IDS enzyme activity (PMIDs: 31877959; 33096603). (SP) Legend: (SP) - Supporting pathogenic, (I) - Information, (SB) - Supporting benign

Literature cited by the submitters: PubMed 29801497 (cited by 3 submitters); PubMed 30409495 (cited by Labcorp Genetics (formerly Invitae), Labcorp and Laboratory of Diagnosis and Therapy of Lysosomal Disorders, University of Padova); PubMed 31732130 (cited by 3 submitters); PubMed 33622387 (cited by Labcorp Genetics (formerly Invitae), Labcorp and Victorian Clinical Genetics Services, Murdoch Childrens Research Institute); PubMed 36077388 (cited by Labcorp Genetics (formerly Invitae), Labcorp and Laboratory of Diagnosis and Therapy of Lysosomal Disorders, University of Padova); PubMed 33096603 (cited by Labcorp Genetics (formerly Invitae), Labcorp and Victorian Clinical Genetics Services, Murdoch Childrens Research Institute); PubMed 31877959 (cited by 3 submitters); PubMed 35887520 (cited by Myriad Genetics, Inc.); PubMed 39547427 (cited by Myriad Genetics, Inc.); PubMed 35225932 (cited by Laboratory of Diagnosis and Therapy of Lysosomal Disorders, University of Padova).